The following is an entry in ClinVar:

NM_000091.5(COL4A3):c.4462G>C (p.Gly1488Arg)

Genes: MFF-DT (MFF divergent transcript; minus strand), COL4A3 (collagen type IV alpha 3 chain; plus strand). Cytogenetic location: 2q36.3.
Variant type: single nucleotide variant.
Coding change: c.4462G>C on transcript NM_000091.5 (MANE Select); coding-DNA position 4462, G replaced by C.
Protein change: p.Gly1488Arg; replaces glycine 1488 with arginine.
Molecular consequence: missense variant.
Genome position (GRCh38, 1-based): chr2:227,307,919, G>C. VCF-style: chr2-227307919-G-C. GRCh37 (hg19) VCF-style: chr2-228172635-G-C.
Other names: short protein forms G1488R.
Identifiers: ClinVar variation 988252 (VCV000988252.1), dbSNP rs1574840156, ClinGen allele CA350864538.

ClinVar aggregate classification (germline): Uncertain significance (0 of 4 stars; one submission).

Conditions:
Alport syndrome. Also called: Hemorrhagic familial nephritis; Hemorrhagic hereditary nephritis; Congenital hereditary hematuria. Identifiers: Orphanet 63, MedGen C1567741, MONDO:0018965.

Submission:

Sydney Genome Diagnostics, Children's Hospital Westmead
Classification: Uncertain significance for Alport syndrome. Last evaluated: 2018-10-24. Review status: no assertion criteria provided. Collection method: clinical testing. Allele origin: unknown. Affected: yes. Observed: 1 variant allele, 1 heterozygote.
Comment: To our knowledge, this variant has not been previously reported in the literature and no frequency data is available. c.4462 is the last base of exon 48, and is located in the C-terminal domain of the protein. In silico analysis (Alamut Visual v2.6) using PolyPhen2, SIFT, Align GVGD, KD4v and Mutation Taster all suggest that this variant is likely to be a pathogenic variant. Alamut Visual 2.6 is also inconclusive regarding the splicing effect of this variant.